The following is an entry in ClinVar:

NM_000183.3(HADHB):c.5_7dup (p.Thr2dup)

Gene: HADHB (hydroxyacyl-CoA dehydrogenase trifunctional multienzyme complex subunit beta; plus strand). Cytogenetic location: 2p23.3.
Variant type: Duplication.
Coding change: c.5_7dup on transcript NM_000183.3 (MANE Select); coding-DNA positions 5 to 7, 3 bases duplicated (CTA; older notation c.5_7dupCTA).
Protein change: p.Thr2dup; duplicates threonine 2.
Molecular consequence: inframe insertion. On other transcripts: 5 prime UTR variant (1).
Genome position (GRCh38, 1-based): chr2:26,254,259-26,254,261, CTA duplicated; duplicating any 3 consecutive bases within chr2:26,254,258-26,254,261 gives the same sequence; the c. name uses the placement nearest the transcript's 3' end. VCF-style (leftmost placement, unchanged base first): chr2-26254257-G-GACT. GRCh37 (hg19) VCF-style: chr2-26477125-G-GACT.
Other names: p.Thr2dup; c.4_6dupACT (NM_000183.2); c.5_7dup, p.Thr2dup (NM_001281512.2); c.-145_-143dup (NM_001281513.2).
Identifiers: ClinVar variation 92600 (VCV000092600.24), dbSNP rs3839049, ClinGen allele CA233220.

ClinVar aggregate classification (germline): Benign/Likely benign. Review status: criteria provided, multiple submitters, no conflicts (2 of 4 stars). 8 submissions from 8 submitters: Benign (6); Likely benign (1). 1 of the submissions does not count toward it. Last evaluated 2026-02-04.

Conditions:
Mitochondrial trifunctional protein deficiency. Identifiers: Orphanet 746, MedGen C1969443, MONDO:0012172.

Submissions (8):

Labcorp Genetics (formerly Invitae), Labcorp
Classification: Benign for Mitochondrial trifunctional protein deficiency. Last evaluated: 2026-02-04. Review status: criteria provided, single submitter. Criteria: Invitae Variant Classification Sherloc (09022015). Collection method: clinical testing. Allele origin: germline.

Blueprint Genetics
Classification: Likely benign. Last evaluated: 2024-11-26. Review status: criteria provided, single submitter. Criteria: ACMG Guidelines, 2015. Collection method: clinical testing. Allele origin: germline.

Mayo Clinic Laboratories, Mayo Clinic
Classification: Benign. Last evaluated: 2022-04-26. Review status: criteria provided, single submitter. Criteria: ACMG Guidelines, 2015. Collection method: clinical testing. Allele origin: germline. Observed: 2,123 variant alleles.

Mendelics
Classification: Benign for Mitochondrial trifunctional protein deficiency 1. Last evaluated: 2019-05-28. Review status: criteria provided, single submitter. Criteria: Mendelics Assertion Criteria 2017. Collection method: clinical testing. Allele origin: unknown.

Laboratory for Molecular Medicine, Mass General Brigham Personalized Medicine
Classification: Benign. Last evaluated: 2016-03-28. Review status: criteria provided, single submitter. Criteria: LMM Criteria. Collection method: clinical testing. Allele origin: germline.
Comment: Variant identified in a genome or exome case(s) and assessed due to predicted null impact of the variant or pathogenic assertions in the literature or databases. Disclaimer: This variant has not undergone full assessment. The following are preliminary notes: 83% of total chromosomes in ExAC

Eurofins Ntd Llc (ga)
Classification: Benign. Last evaluated: 2013-10-02. Review status: criteria provided, single submitter. Criteria: EGL Classification Definitions. Collection method: clinical testing. Allele origin: germline. Observed: 11 variant alleles, 2 heterozygotes, 9 homozygotes.

GeneDx
Classification: Benign. Last evaluated: 2013-08-27. Review status: criteria provided, single submitter. Criteria: GeneDx Variant Classification (06012015). Collection method: clinical testing. Allele origin: germline. Affected: yes.
Comment: The variant is found in HADHB panel(s).

Department of Mental Retardation and Birth Defect Research,  National Center of Neurology and Psychiatry
No classification provided. Review status: no classification provided. Collection method: not provided. Allele origin: unknown. Not counted in ClinVar's aggregate classification.

Literature cited by the submitters: PubMed 23757202 (cited by Eurofins Ntd Llc (ga)).